The following is an entry in ClinVar:

NM_001111125.3(IQSEC2):c.956del (p.Leu319fs)

Gene: IQSEC2 (IQ motif and Sec7 domain ArfGEF 2; minus strand). Cytogenetic location: Xp11.22.
Variant type: Deletion.
Coding change: c.956del on transcript NM_001111125.3 (MANE Select); coding-DNA position 956, one base deleted (T; older notation c.956delT).
Protein change: p.Leu319fs; shifts the reading frame from leucine 319.
Molecular consequence: frameshift variant.
Genome position (GRCh38, 1-based): chrX:53,255,843, A deleted on the plus strand (T on the coding strand, the reverse complement: IQSEC2 is on the minus strand). VCF-style (leftmost placement, unchanged base first): chrX-53255842-TA-T. GRCh37 (hg19) VCF-style: chrX-53285024-TA-T.
Other names: c.341del, p.Leu114fs (NM_015075.2); short protein forms L319fs, L114fs.
Identifiers: ClinVar variation 930554 (VCV000930554.3), dbSNP rs2074458024, ClinGen allele CA1139667575.

ClinVar aggregate classification (germline): Likely pathogenic (1 of 4 stars; one submission).

Conditions:
Intellectual developmental disorder, X-linked 1. Also called: Atkin Flaitz Patil Smith syndrome; MENTAL RETARDATION, X-LINKED 18; MENTAL RETARDATION, X-LINKED 78; Intellectual disability, X-linked 1. Identifiers: Orphanet 777, MedGen C2931498, MONDO:0010656, OMIM 309530.

Submission:

Centre for Mendelian Genomics, University Medical Centre Ljubljana
Classification: Likely pathogenic for Intellectual developmental disorder, X-linked 1. Last evaluated: 2019-08-12. Review status: criteria provided, single submitter. Criteria: ACMG Guidelines, 2015. Collection method: clinical testing. Allele origin: unknown. Affected: yes.
Comment: This variant was classified as: Likely pathogenic. The following ACMG criteria were applied in classifying this variant: PVS1,PM2.